The following is an entry in ClinVar:

ClinVar aggregate classification (germline): Uncertain significance (1 of 4 stars; one submission).

Conditions:
Inborn genetic diseases. Identifiers: MedGen C0950123, MeSH D030342.

Submission:

Ambry Genetics
Classification: Uncertain significance for Inborn genetic diseases. Last evaluated: 2025-05-31. Review status: criteria provided, single submitter. Criteria: Ambry Variant Classification Scheme 2023. Collection method: clinical testing. Allele origin: germline.
Comment: The p.L132P variant (also known as c.395T>C), located in coding exon 3 of the SBDS gene, results from a T to C substitution at nucleotide position 395. The leucine at codon 132 is replaced by proline, an amino acid with similar properties. This amino acid position is conserved. In addition, this alteration is predicted to be deleterious by in silico analysis. Based on the available evidence, the clinical significance of this variant remains unclear.

NM_016038.4(SBDS):c.395T>C (p.Leu132Pro)

Gene: SBDS (SBDS ribosome maturation factor; minus strand). Cytogenetic location: 7q11.21.
Variant type: single nucleotide variant.
Coding change: c.395T>C on transcript NM_016038.4 (MANE Select); coding-DNA position 395, T replaced by C.
Protein change: p.Leu132Pro; replaces leucine 132 with proline.
Molecular consequence: missense variant.
Genome position (GRCh38, 1-based): chr7:66,993,281, A>G on the plus strand (T>C on the coding strand, the complement: SBDS is on the minus strand). VCF-style: chr7-66993281-A-G. GRCh37 (hg19) VCF-style: chr7-66458268-A-G.
Other names: short protein forms L132P.
Identifiers: ClinVar variation 3950335 (VCV003950335.1).
Genomic context (GRCh38, chr7:66,993,281, plus strand): 5'-TGTTTTGTACTCTTGTTGGTTTTCACCGAATAGTGGATGTCCTTCATGGCTCTCTCAATA[A>G]GGATCACGGTGTATGGTCTCTTTGTTTCAGGATTCACACATTTGTCTGCCACAATAGTTG-3'
Protein context (NP_057122.2, residues 122-142): PETKRPYTVI[Leu132Pro]IERAMKDIHY